The following is an entry in ClinVar:

NM_006270.5(RRAS):c.614C>T (p.Ala205Val)

Gene: RRAS (RAS related; minus strand). Cytogenetic location: 19q13.33.
Variant type: single nucleotide variant.
Coding change: c.614C>T on transcript NM_006270.5 (MANE Select); coding-DNA position 614, C replaced by T.
Protein change: p.Ala205Val; replaces alanine 205 with valine.
Molecular consequence: missense variant.
Genome position (GRCh38, 1-based): chr19:49,635,619, G>A on the plus strand (C>T on the coding strand, the complement: RRAS is on the minus strand). VCF-style: chr19-49635619-G-A. GRCh37 (hg19) VCF-style: chr19-50138876-G-A.
Other names: short protein forms A205V.
Identifiers: ClinVar variation 934671 (VCV000934671.11), dbSNP rs1043558932, ClinGen allele CA309504670.

ClinVar aggregate classification (germline): Uncertain significance. Review status: criteria provided, multiple submitters, no conflicts (2 of 4 stars). 2 submissions from 2 submitters: Uncertain significance (2). Last evaluated 2025-02-05.

Conditions:
Noonan syndrome (NS). Also called: Noonan's syndrome. Identifiers: Orphanet 648, MedGen C0028326, MeSH D009634, MONDO:0018997. Disease mechanism: gain of function.

Allele frequency attached by ClinVar (database versions not stated): TOPMed below 0.00001; gnomAD 0.00001; gnomAD exomes 0.00001.
gnomAD v4.1: 12 of 1,435,066 alleles (0.00084%); highest among the groups gnomAD compares: Non-Finnish European, 0.0011%; no homozygotes.

Submissions (2):

Labcorp Genetics (formerly Invitae), Labcorp
Classification: Uncertain significance for Noonan syndrome. Last evaluated: 2025-02-05. Review status: criteria provided, single submitter. Criteria: Invitae Variant Classification Sherloc (09022015). Collection method: clinical testing. Allele origin: germline.
Comment: This sequence change replaces alanine, which is neutral and non-polar, with valine, which is neutral and non-polar, at codon 205 of the RRAS protein (p.Ala205Val). This variant is not present in population databases (gnomAD no frequency). This variant has not been reported in the literature in individuals affected with RRAS-related conditions. ClinVar contains an entry for this variant (Variation ID: 934671). An algorithm developed to predict the effect of missense changes on protein structure and function (PolyPhen-2) suggests that this variant is likely to be tolerated. In summary, the available evidence is currently insufficient to determine the role of this variant in disease. Therefore, it has been classified as a Variant of Uncertain Significance.

Ambry Genetics
Classification: Uncertain significance. Last evaluated: 2022-07-14. Review status: criteria provided, single submitter. Criteria: Ambry Variant Classification Scheme 2023. Collection method: clinical testing. Allele origin: germline.
Comment: The p.A205V variant (also known as c.614C>T), located in coding exon 6 of the RRAS gene, results from a C to T substitution at nucleotide position 614. The alanine at codon 205 is replaced by valine, an amino acid with similar properties. This amino acid position is conserved. In addition, this alteration is predicted to be tolerated by in silico analysis. Since supporting evidence is limited at this time, the clinical significance of this alteration remains unclear.